The following is an entry in ClinVar:

ClinVar aggregate classification (germline): Uncertain significance (1 of 4 stars; one submission).

Submission:

CeGaT Center for Human Genetics Tuebingen
Classification: Uncertain significance. Last evaluated: 2023-03-01. Review status: criteria provided, single submitter. Criteria: CeGaT Center For Human Genetics Tuebingen Variant Classification Criteria Version 2. Collection method: clinical testing. Allele origin: germline. Affected: yes. Observed: 1 variant allele.
Comment: TNR: PM2

NM_003285.3(TNR):c.2087C>G (p.Ala696Gly)

Gene: TNR (tenascin R; minus strand). Cytogenetic location: 1q25.1.
Variant type: single nucleotide variant.
Coding change: c.2087C>G on transcript NM_003285.3 (MANE Select); coding-DNA position 2087, C replaced by G.
Protein change: p.Ala696Gly; replaces alanine 696 with glycine.
Molecular consequence: missense variant.
Genome position (GRCh38, 1-based): chr1:175,366,105, G>C on the plus strand (C>G on the coding strand, the complement: TNR is on the minus strand). VCF-style: chr1-175366105-G-C. GRCh37 (hg19) VCF-style: chr1-175335241-G-C.
Other names: c.1088C>G, p.Ala363Gly (NM_001328635.2); short protein forms A363G, A696G.
Identifiers: ClinVar variation 2498440 (VCV002498440.28), dbSNP rs202011833, ClinGen allele CA343800290.